The following is an entry in ClinVar:

ClinVar aggregate classification (germline): Uncertain significance. Review status: criteria provided, multiple submitters, no conflicts (2 of 4 stars). 2 submissions from 2 submitters: Uncertain significance (2). Last evaluated 2026-03-29.

Conditions:
Hereditary cancer-predisposing syndrome. Also called: Hereditary Cancer Syndrome; Neoplastic Syndromes, Hereditary; Tumor predisposition; Hereditary neoplastic syndrome. Identifiers: Orphanet 140162, MedGen C0027672, MeSH D009386, MONDO:0015356.

Submissions (2):

Ambry Genetics
Classification: Uncertain significance for Hereditary cancer-predisposing syndrome. Last evaluated: 2026-03-29. Review status: criteria provided, single submitter. Criteria: Ambry Variant Classification Scheme 2023. Collection method: clinical testing. Allele origin: germline.
Comment: The p.V276M variant (also known as c.826G>A), located in coding exon 7 of the SMARCB1 gene, results from a G to A substitution at nucleotide position 826. The valine at codon 276 is replaced by methionine, an amino acid with highly similar properties. This amino acid position is conserved. In addition, the in silico prediction for this alteration is inconclusive. Based on the available evidence, the clinical significance of this variant remains unclear.

Labcorp Genetics (formerly Invitae), Labcorp
Classification: Uncertain significance. Last evaluated: 2021-02-08. Review status: criteria provided, single submitter. Criteria: Invitae Variant Classification Sherloc (09022015). Collection method: clinical testing. Allele origin: germline.
Comment: In summary, the available evidence is currently insufficient to determine the role of this variant in disease. Therefore, it has been classified as a Variant of Uncertain Significance. Algorithms developed to predict the effect of missense changes on protein structure and function (SIFT, PolyPhen-2, Align-GVGD) all suggest that this variant is likely to be tolerated, but these predictions have not been confirmed by published functional studies and their clinical significance is uncertain. This variant has not been reported in the literature in individuals with SMARCB1-related conditions. This variant is not present in population databases (ExAC no frequency). This sequence change replaces valine with methionine at codon 276 of the SMARCB1 protein (p.Val276Met). The valine residue is highly conserved and there is a small physicochemical difference between valine and methionine.

NM_003073.5(SMARCB1):c.826G>A (p.Val276Met)

Gene: SMARCB1 (SWI/SNF related BAF chromatin remodeling complex subunit B1; plus strand). Cytogenetic location: 22q11.23.
Variant type: single nucleotide variant.
Coding change: c.826G>A on transcript NM_003073.5 (MANE Select); coding-DNA position 826, G replaced by A.
Protein change: p.Val276Met; replaces valine 276 with methionine.
Molecular consequence: missense variant.
Genome position (GRCh38, 1-based): chr22:23,825,255, G>A. VCF-style: chr22-23825255-G-A. GRCh37 (hg19) VCF-style: chr22-24167442-G-A.
Other names: c.799G>A, p.Val267Met (NM_001007468.3); c.853G>A, p.Val285Met (NM_001317946.2); c.880G>A, p.Val294Met (NM_001362877.2); short protein forms V294M, V267M, V276M, V285M.
Identifiers: ClinVar variation 939855 (VCV000939855.10), dbSNP rs2030319219, ClinGen allele CA410906875.
Genomic context (GRCh38, chr22:23,825,255, plus strand): 5'-CTAACTTGTGTCCTTTGGTTGTTGCCTCAGCTGAACATCCATGTGGGAAACATTTCCCTG[G>A]TGGACCAGTTTGAGTGGGACATGTCAGAGAAGGAGAACTCACCAGAGAAGTTTGCCCTGA-3'
Protein context (NP_003064.2, residues 266-286): LNIHVGNISL[Val276Met]DQFEWDMSEK